The following is an entry in ClinVar:

ClinVar aggregate classification (germline): Likely benign (0 of 4 stars; one submission).

Conditions:
DOK7-related disorder. Also called: DOK7-related condition.

Allele frequency attached by ClinVar (database versions not stated): gnomAD 0.00001; TOPMed 0.00003; ExAC 0.00010.
gnomAD v4.1: 29 of 1,610,792 alleles (0.0018%); highest among the groups gnomAD compares: South Asian, 0.0033%; no homozygotes.

Submission:

PreventionGenetics, part of Exact Sciences
Classification: Likely benign for DOK7-related condition. Last evaluated: 2020-08-04. Review status: no assertion criteria provided. Collection method: clinical testing. Allele origin: germline.
Comment: This variant is classified as likely benign based on ACMG/AMP sequence variant interpretation guidelines (Richards et al. 2015 PMID: 25741868, with internal and published modifications).

NM_173660.5(DOK7):c.*1G>A

Gene: DOK7 (docking protein 7; plus strand). Cytogenetic location: 4p16.3.
Variant type: single nucleotide variant.
Coding change: c.*1G>A on transcript NM_173660.5 (MANE Select); 1 bases downstream of the stop codon, G replaced by A.
Molecular consequence: 3 prime UTR variant. On other transcripts: intron variant (2).
Genome position (GRCh38, 1-based): chr4:3,493,502, G>A. VCF-style: chr4-3493502-G-A. GRCh37 (hg19) VCF-style: chr4-3495229-G-A.
Other names: c.*737G>A (NM_001164673.2); c.*1G>A (NM_001256896.2); c.1497+19G>A (NM_001301071.2); c.1065+19G>A (NM_001363811.2).
Identifiers: ClinVar variation 3049477 (VCV003049477.2), dbSNP rs748297929, ClinGen allele CA2829560.